The following is an entry in ClinVar:

NM_001191061.2(SLC25A22):c.140C>T (p.Thr47Met)

Gene: SLC25A22 (solute carrier family 25 member 22; minus strand). Cytogenetic location: 11p15.5.
Variant type: single nucleotide variant.
Coding change: c.140C>T on transcript NM_001191061.2 (MANE Select); coding-DNA position 140, C replaced by T.
Protein change: p.Thr47Met; replaces threonine 47 with methionine.
Molecular consequence: missense variant.
Genome position (GRCh38, 1-based): chr11:794,782, G>A on the plus strand (C>T on the coding strand, the complement: SLC25A22 is on the minus strand). VCF-style: chr11-794782-G-A. GRCh37 (hg19) VCF-style: chr11-794782-G-A.
Other names: p.T47M:ACG>ATG; c.140C>T, p.Thr47Met (NM_001191060.2, NM_024698.6); short protein forms T47M.
Identifiers: ClinVar variation 207161 (VCV000207161.27), dbSNP rs142220309, ClinGen allele CA318363.

ClinVar aggregate classification (germline): Conflicting classifications of pathogenicity. Review status: criteria provided, conflicting classifications (1 of 4 stars). 7 submissions from 7 submitters: Uncertain significance (5); Likely benign (2). Last evaluated 2026-01-24.

Conditions:
Inborn genetic diseases. Identifiers: MedGen C0950123, MeSH D030342.
Early-infantile DEE. Also called: Ohtahara syndrome; Early infantile epileptic encephalopathy; Early infantile epileptic encephalopathy with suppression bursts. Identifiers: Orphanet 1934, MedGen C0393706, MONDO:0800491.
Developmental and epileptic encephalopathy, 3 (DEE3). Also called: Epileptic encephalopathy, early infantile, 3. Identifiers: MedGen C5574665, MONDO:0012245, OMIM 609304.

Allele frequency attached by ClinVar (database versions not stated): 1000 Genomes Project 0.00020; 1000 Genomes Project 30x 0.00031; ESP Exome Variant Server 0.00054; TOPMed 0.00059; gnomAD 0.00060 and 0.00068.
gnomAD v4.1: 188 of 1,598,408 alleles (0.012%); highest among the groups gnomAD compares: African/African-American, 0.21%; no homozygotes.

Submissions (7):

Labcorp Genetics (formerly Invitae), Labcorp
Classification: Likely benign for Early-infantile DEE. Last evaluated: 2026-01-24. Review status: criteria provided, single submitter. Criteria: Invitae Variant Classification Sherloc (09022015). Collection method: clinical testing. Allele origin: germline.

Athena Diagnostics
Classification: Uncertain significance. Last evaluated: 2021-06-15. Review status: criteria provided, single submitter. Criteria: Athena Diagnostics Criteria. Collection method: clinical testing. Allele origin: unknown.

Center for Genomics, Ann and Robert H. Lurie Children's Hospital of Chicago
Classification: Uncertain significance for Developmental and epileptic encephalopathy, 3. Last evaluated: 2021-05-16. Review status: criteria provided, single submitter. Criteria: ACMG Guidelines, 2015. Collection method: clinical testing. Allele origin: germline.
Comment: SLC25A22 NM_024698.5 exon 3 p.Thr47Met (c.140C>T): This variant has not been reported in the literature but is present in 0.2% (80/41470) of African alleles in the Genome Aggregation Database. This variant is present in ClinVar (Variation ID:207161). Evolutionary conservation suggests that this variant may not impact the protein; computational predictive tools suggest that this variant may impact the protein. In summary, data on this variant is insufficient for disease classification. Therefore, the clinical significance of this variant is uncertain.

GeneDx
Classification: Likely benign. Last evaluated: 2021-03-10. Review status: criteria provided, single submitter. Criteria: GeneDx Variant Classification Process June 2021. Collection method: clinical testing. Allele origin: germline. Affected: yes.

Ambry Genetics
Classification: Uncertain significance for Inborn genetic diseases. Last evaluated: 2020-09-30. Review status: criteria provided, single submitter. Criteria: Ambry Variant Classification Scheme 2023. Collection method: clinical testing. Allele origin: germline.
Comment: The p.T47M variant (also known as c.140C>T), located in coding exon 2 of the SLC25A22 gene, results from a C to T substitution at nucleotide position 140. The threonine at codon 47 is replaced by methionine, an amino acid with similar properties. This amino acid position is not well conserved in available vertebrate species. In addition, the in silico prediction for this alteration is inconclusive. Since supporting evidence is limited at this time, the clinical significance of this alteration remains unclear.

Mayo Clinic Laboratories, Mayo Clinic
Classification: Uncertain significance. Last evaluated: 2020-05-01. Review status: criteria provided, single submitter. Criteria: ACMG Guidelines, 2015. Collection method: clinical testing. Allele origin: germline. Observed: 1 variant allele.

Eurofins Ntd Llc (ga)
Classification: Uncertain significance. Last evaluated: 2017-06-20. Review status: criteria provided, single submitter. Criteria: EGL Classification Definitions 2015. Collection method: clinical testing. Allele origin: germline. Observed: 1 variant allele, 1 heterozygote.